The following is an entry in ClinVar:

NM_139343.3(BIN1):c.450C>T (p.Tyr150=)

Gene: BIN1 (bridging integrator 1; minus strand). Cytogenetic location: 2q14.3.
Variant type: single nucleotide variant.
Coding change: c.450C>T on transcript NM_139343.3 (MANE Select); coding-DNA position 450, C replaced by T.
Protein change: p.Tyr150=; no amino-acid change (tyrosine 150 retained).
Molecular consequence: synonymous variant.
Genome position (GRCh38, 1-based): chr2:127,068,993, G>A on the plus strand (C>T on the coding strand, the complement: BIN1 is on the minus strand). VCF-style: chr2-127068993-G-A. GRCh37 (hg19) VCF-style: chr2-127826569-G-A.
Other names: c.450C>T, p.Tyr150= (NM_139346.3, NM_139347.3, NM_139348.3 and 10 more transcripts); c.378C>T, p.Tyr126= (NM_001320634.1); c.369C>T, p.Tyr123= (NM_001320642.1).
Identifiers: ClinVar variation 1138939 (VCV001138939.33), dbSNP rs550177667, ClinGen allele CA1857473.

ClinVar aggregate classification (germline): Likely benign. Review status: criteria provided, multiple submitters, no conflicts (2 of 4 stars). 3 submissions from 3 submitters: Likely benign (3). Last evaluated 2025-06-30.

Conditions:
Myopathy, centronuclear, 2 (CNM2). Also called: MYOTUBULAR MYOPATHY, AUTOSOMAL RECESSIVE. Identifiers: Orphanet 169186, MedGen CN031787, MONDO:0009709, OMIM 255200.

Allele frequency attached by ClinVar (database versions not stated): TOPMed 0.00002; ExAC 0.00003; gnomAD 0.00003 and 0.00005; gnomAD exomes 0.00004; 1000 Genomes Project 30x 0.00016; 1000 Genomes Project 0.00020.
gnomAD v4.1: 66 of 1,614,144 alleles (0.0041%); highest among the groups gnomAD compares: Middle Eastern, 0.016%; no homozygotes.

Submissions (3):

Labcorp Genetics (formerly Invitae), Labcorp
Classification: Likely benign for Myopathy, centronuclear, 2. Last evaluated: 2025-06-30. Review status: criteria provided, single submitter. Criteria: Invitae Variant Classification Sherloc (09022015). Collection method: clinical testing. Allele origin: germline.

Blueprint Genetics
Classification: Likely benign. Last evaluated: 2024-07-04. Review status: criteria provided, single submitter. Criteria: ACMG Guidelines, 2015. Collection method: clinical testing. Allele origin: germline.

CeGaT Center for Human Genetics Tuebingen
Classification: Likely benign. Last evaluated: 2023-04-01. Review status: criteria provided, single submitter. Criteria: CeGaT Center For Human Genetics Tuebingen Variant Classification Criteria Version 2. Collection method: clinical testing. Allele origin: germline. Affected: yes. Observed: 1 variant allele.
Comment: BIN1: BP4, BP7